The following is an entry in ClinVar:

NM_018124.4(RFWD3):c.451A>G (p.Thr151Ala)

Gene: RFWD3 (ring finger and WD repeat domain 3; minus strand). Cytogenetic location: 16q23.1.
Variant type: single nucleotide variant.
Coding change: c.451A>G on transcript NM_018124.4 (MANE Select); coding-DNA position 451, A replaced by G.
Protein change: p.Thr151Ala; replaces threonine 151 with alanine.
Molecular consequence: missense variant. On other transcripts: 5 prime UTR variant (4), intron variant (1).
Genome position (GRCh38, 1-based): chr16:74,660,999, T>C on the plus strand (A>G on the coding strand, the complement: RFWD3 is on the minus strand). VCF-style: chr16-74660999-T-C. GRCh37 (hg19) VCF-style: chr16-74694897-T-C.
Other names: c.451A>G, p.Thr151Ala (NM_001370534.1, NM_001370535.1, NM_001370536.1); c.-558A>G (NM_001370537.1); c.-181A>G (NM_001370539.1, NM_001370541.1); c.-435A>G (NM_001370542.1); c.-313A>G (NM_001370543.1); c.-317+3625A>G (NM_001370540.1); c.451A>G (NM_018124.3); short protein forms T151A.
Identifiers: ClinVar variation 2893238 (VCV002893238.4), dbSNP rs756160301, ClinGen allele CA8169573.

ClinVar aggregate classification (germline): Uncertain significance. Review status: criteria provided, multiple submitters, no conflicts (2 of 4 stars). 2 submissions from 2 submitters: Uncertain significance (2). Last evaluated 2025-06-23.

Conditions:
RFWD3-related disorder. Also called: RFWD3-related condition.

Allele frequency attached by ClinVar (database versions not stated): gnomAD 0.00001; TOPMed 0.00001; gnomAD exomes 0.00003; ExAC 0.00004.
gnomAD v4.1: 17 of 1,614,078 alleles (0.0011%); highest among the groups gnomAD compares: Admixed American, 0.022%; no homozygotes.

Submissions (2):

PreventionGenetics, part of Exact Sciences
Classification: Uncertain significance for RFWD3-related condition. Last evaluated: 2025-06-23. Review status: criteria provided, single submitter. Criteria: ACMG Guidelines, 2015. Collection method: clinical testing. Allele origin: germline.
Comment: The RFWD3 c.451A>G variant is predicted to result in the amino acid substitution p.Thr151Ala. To our knowledge, this variant has not been reported in the literature. This variant is reported in 0.035% of alleles in individuals of Latino descent in gnomAD. At this time, the clinical significance of this variant is uncertain due to the absence of conclusive functional and genetic evidence.

Labcorp Genetics (formerly Invitae), Labcorp
Classification: Uncertain significance. Last evaluated: 2023-04-06. Review status: criteria provided, single submitter. Criteria: Invitae Variant Classification Sherloc (09022015). Collection method: clinical testing. Allele origin: germline.
Comment: This sequence change replaces threonine, which is neutral and polar, with alanine, which is neutral and non-polar, at codon 151 of the RFWD3 protein (p.Thr151Ala). This variant is present in population databases (rs756160301, gnomAD 0.03%). This variant has not been reported in the literature in individuals affected with RFWD3-related conditions. Algorithms developed to predict the effect of missense changes on protein structure and function output the following: SIFT: "Not Available"; PolyPhen-2: "Benign"; Align-GVGD: "Not Available". The alanine amino acid residue is found in multiple mammalian species, which suggests that this missense change does not adversely affect protein function. In summary, the available evidence is currently insufficient to determine the role of this variant in disease. Therefore, it has been classified as a Variant of Uncertain Significance.